The following is an entry in ClinVar:

NM_177398.4(LMX1A):c.718C>T (p.Gln240Ter)

Genes: LMX1A (LIM homeobox transcription factor 1 alpha; minus strand), LMX1A-AS2 (LMX1A antisense RNA 2; plus strand). Cytogenetic location: 1q23.3.
Variant type: single nucleotide variant.
Coding change: c.718C>T on transcript NM_177398.4 (MANE Select); coding-DNA position 718, C replaced by T.
Protein change: p.Gln240Ter; replaces glutamine 240 with a stop codon.
Molecular consequence: nonsense.
Genome position (GRCh38, 1-based): chr1:165,210,728, G>A on the plus strand (C>T on the coding strand, the complement: LMX1A is on the minus strand). VCF-style: chr1-165210728-G-A. GRCh37 (hg19) VCF-style: chr1-165179965-G-A.
Other names: c.718C>T, p.Gln240Ter (NM_001174069.2); short protein forms Q240*.
Identifiers: ClinVar variation 4857405 (VCV004857405.1).

ClinVar aggregate classification (germline): Pathogenic (1 of 4 stars; one submission).

Conditions:
Autosomal dominant nonsyndromic hearing loss 7. Also called: Deafness, autosomal dominant 7. Identifiers: Orphanet 90635, MedGen C1832379, MONDO:0011074, OMIM 601412.

Submission:

Precision Medicine Center, Zhengzhou University
Classification: Pathogenic for Autosomal dominant nonsyndromic hearing loss 7. Last evaluated: 2006-06-30. Review status: criteria provided, single submitter. Criteria: ClinGen HL ACMG Specifications v1. Collection method: clinical testing. Allele origin: paternal. Affected: yes.
Comment: PVS1+PM2: The nonsense variant results in a premature termination codon, leading to a truncated protein product and loss of normal protein function, which is predicted to be highly deleterious and pathogenic (PVS1). This variant exhibits an extremely low allele frequency and negligible population prevalence in the gnomAD database, representing an ultra-rare variant in the general human population (PM2). In summary, this LMX1A c.718C>T (p.Gln240Ter) variant meets the ACMG/AMP variant classification criteria and can be classified as pathogenic.